The following is an entry in ClinVar:

NM_007294.4(BRCA1):c.2726A>T (p.Asn909Ile)

Gene: BRCA1 (BRCA1 DNA repair associated; minus strand). Cytogenetic location: 17q21.31.
Variant type: single nucleotide variant.
Coding change: c.2726A>T on transcript NM_007294.4 (MANE Select); coding-DNA position 2726, A replaced by T.
Protein change: p.Asn909Ile; replaces asparagine 909 with isoleucine.
Molecular consequence: missense variant. On other transcripts: intron variant (137).
Genome position (GRCh38, 1-based): chr17:43,092,805, T>A on the plus strand (A>T on the coding strand, the complement: BRCA1 is on the minus strand). VCF-style: chr17-43092805-T-A. GRCh37 (hg19) VCF-style: chr17-41244822-T-A.
Other names: 2845A>T; c.545-1773A>T (NM_001408495.1); c.662-1773A>T (NM_001408448.1, NM_001408445.1, NM_001408432.1 and 6 more transcripts); c.668-1773A>T (NM_001408421.1, NM_001408431.1, NM_001408424.1); c.785-1773A>T (NM_001407991.1, NM_001408407.1, NM_001408402.1 and 13 more transcripts); c.665-1773A>T (NM_001408427.1, NM_001408443.1, NM_001408439.1 and 12 more transcripts); c.524-1773A>T (NM_001408496.1, NM_001408499.1, NM_001408498.1 and 3 more transcripts); c.647-1773A>T (NM_001408460.1, NM_001408454.1, NM_001408456.1 and 11 more transcripts); and 42 more; short protein forms N909I, N862I, N782I, N820I, N861I, N882I, N906I, N908I.
Identifiers: ClinVar variation 37486 (VCV000037486.42), dbSNP rs80357127, ClinGen allele CA001795.

ClinVar aggregate classification (germline): Conflicting classifications of pathogenicity. Review status: criteria provided, conflicting classifications (1 of 4 stars). 21 submissions from 21 submitters: Uncertain significance (7); Benign (3); Likely benign (6). 5 of the submissions do not count toward it. Last evaluated 2026-01-26.

Conditions:
BRCA1-related disorder. Also called: BRCA1-related condition.
Hereditary cancer-predisposing syndrome. Also called: Tumor predisposition; Neoplastic Syndromes, Hereditary; Hereditary Cancer Syndrome; Hereditary neoplastic syndrome. Identifiers: Orphanet 140162, MedGen C0027672, MeSH D009386, MONDO:0015356.
Breast neoplasm. Also called: Neoplasm of breast; Breast tumor; Neoplasm of the breast; Breast Neoplasms. Identifiers: MedGen C1458155, MeSH D001943, MONDO:0021100, HP:0100013. Disease mechanism: gain of function.
Hereditary breast ovarian cancer syndrome. Also called: Hereditary breast and ovarian cancer syndrome (HBOC); Hereditary breast and ovarian cancer syndrome; Hereditary breast and ovarian cancer; Hereditary breast and/or ovarian cancer syndrome; Breast and ovarian cancer; BRCA1- and BRCA2-Associated Hereditary Breast and Ovarian Cancer. Identifiers: Orphanet 145, MedGen C0677776, MeSH D061325, MONDO:0003582. Disease mechanism: loss of function.
Breast-ovarian cancer, familial, susceptibility to, 1 (BROVCA1). Also called: OVARIAN CANCER, SUSCEPTIBILITY TO; BRCA1 Hereditary Breast and Ovarian Cancer. Identifiers: Orphanet 145, MedGen C2676676, MONDO:0011450, OMIM 604370. Disease mechanism: loss of function.
Familial cancer of breast. Also called: Hereditary breast cancer; hereditary breast carcinoma; BREAST CANCER, FAMILIAL. Identifiers: Orphanet 227535, MedGen C0346153, MONDO:0016419, OMIM 114480. Disease mechanism: loss of function.
Malignant tumor of breast. Also called: Malignant breast neoplasm; Cancer breast. Identifiers: MedGen C0006142, MONDO:0007254. Disease mechanism: loss of function.

Allele frequency attached by ClinVar (database versions not stated): gnomAD exomes 0.00008 and 0.00002; TOPMed 0.00003; ExAC 0.00005; gnomAD 0.00003.
gnomAD v4.1: 31 of 1,613,856 alleles (0.0019%); highest among the groups gnomAD compares: East Asian, 0.06%; no homozygotes.

Submissions 1 to 12 of 21:

Labcorp Genetics (formerly Invitae), Labcorp
Classification: Likely benign for Hereditary breast ovarian cancer syndrome. Last evaluated: 2026-01-26. Review status: criteria provided, single submitter. Criteria: Invitae Variant Classification Sherloc (09022015). Collection method: clinical testing. Allele origin: germline.

Center for Genomic Medicine, Rigshospitalet, Copenhagen University Hospital
Classification: Benign. Last evaluated: 2025-12-29. Review status: criteria provided, single submitter. Criteria: ACMG Guidelines, 2015. Collection method: clinical testing. Allele origin: germline.

PreventionGenetics, part of Exact Sciences
Classification: Likely benign for BRCA1-related condition. Last evaluated: 2025-09-27. Review status: criteria provided, single submitter. Criteria: ACMG Guidelines, 2015. Collection method: clinical testing. Allele origin: germline.
Comment: This variant is classified as likely benign based on ACMG/AMP sequence variant interpretation guidelines (Richards et al. 2015 PMID: 25741868, with internal and published modifications).

Women's Health and Genetics/Laboratory Corporation of America, LabCorp
Classification: Likely benign. Last evaluated: 2025-04-17. Review status: criteria provided, single submitter. Criteria: LabCorp Variant Classification Summary - May 2015. Collection method: clinical testing. Allele origin: germline.
Comment: Variant summary: BRCA1 c.2726A>T (p.Asn909Ile) results in a non-conservative amino acid change in the encoded protein sequence. Three of five in-silico tools predict a damaging effect of the variant on protein function. The variant allele was found at a frequency of 0.00011 in 386686 control chromosomes, predominantly at a frequency of 0.0011 within the East Asian subpopulation in the gnomAD database. The observed variant frequency within East Asian control individuals in the gnomAD database is approximately 1.1 fold of the estimated maximal expected allele frequency for a pathogenic variant in BRCA1 causing Hereditary Breast And Ovarian Cancer Syndrome phenotype (0.001). c.2726A>T has been reported in the literature in individuals affected with breast or ovarian cancer, but was also found in healthy controls (e.g., Lai, 2017, Ahmadloo, 2017, Bhaskaran_2019, Kwong_2020, Momozawa_2018, Dorling_2021, Zhang_2022). In addition, a study classified this variant as likely benign based on a multifactorial probability model (Lee_2018). These reports do not provide unequivocal conclusions about association of the variant with Hereditary Breast And Ovarian Cancer Syndrome. To our knowledge, no experimental evidence demonstrating an impact on protein function has been reported. The following publications have been ascertained in the context of this evaluation (PMID: 18627636, 22217648, 27257965, 26852015, 28364669, 28179634, 12602912, 29176636, 30287823, 30702160, 28222693, 30415210, 32068069, 35918668, 33471991). ClinVar contains an entry for this variant (Variation ID: 37486). Based on the evidence outlined above, the variant was classified as likely benign.

ARUP Laboratories, Molecular Genetics and Genomics, ARUP Laboratories
Classification: Likely benign. Last evaluated: 2024-03-29. Review status: criteria provided, single submitter. Criteria: ARUP Molecular Germline Variant Investigation Process 2024. Collection method: clinical testing. Allele origin: germline.

All of Us Research Program, National Institutes of Health
Classification: Benign for Breast-ovarian cancer, familial, susceptibility to, 1. Last evaluated: 2023-12-18. Review status: criteria provided, single submitter. Criteria: ACMG Guidelines, 2015. Collection method: clinical testing. Allele origin: germline. Inheritance: Autosomal dominant inheritance. Observed: 7 variant alleles, 7 heterozygotes.
Comment: This study involves interpretation of variants in research participants for the purpose of population health screening. Participant phenotype was not available at the time of variant classification. Additional details can be found in publication PMID: 35346344, PMCID: PMC8962531

University of Washington Department of Laboratory Medicine, University of Washington
Classification: Likely benign for Hereditary cancer-predisposing syndrome. Last evaluated: 2023-03-23. Review status: criteria provided, single submitter. Criteria: Dines et al. (Genet Med. 2020). Collection method: curation. Allele origin: germline.
Comment: Missense variant in a coldspot region where missense variants are very unlikely to be pathogenic (PMID:31911673).

BRCA1 coldspot (exon 11 using historical exon numbering). Reclassification based on statistical prior probability

Sema4
Classification: Uncertain significance for Hereditary cancer-predisposing syndrome. Last evaluated: 2022-02-08. Review status: criteria provided, single submitter. Criteria: Sema4 Curation Guidelines. Collection method: curation. Allele origin: germline.
Comment: The BRCA1 c.2726A>T (p.N909I) variant has been reported in several individuals with breast cancer and/or ovarian cancer (PMID: 12602912, 22217648, 26852015, 30287823, 28222693, 33471991, among others). However, the variant was also found in controls from large breast cancer studies (PMID: 30287823, 28222693, 33471991). It is also known as c.2845A>T in the literature. This variant was observed in 20/18394 chromosomes in the East Asian population, with no homozygotes, according to the Genome Aggregation Database (PMID: 32461654). The variant has been reported in ClinVar (Variation ID: 37486). In silico tools suggest the impact of the variant on protein function is inconclusive, though these predictions have not been confirmed by functional studies. The evidence is insufficient to meet ACMG/AMP criteria for classifying the variant as benign or pathogenic. Thus, the clinical significance of this variant is currently uncertain.

Blueprint Genetics
Classification: Uncertain significance. Last evaluated: 2022-01-24. Review status: criteria provided, single submitter. Criteria: ACMG Guidelines, 2015. Collection method: clinical testing. Allele origin: germline.

Ambry Genetics
Classification: Likely benign for Hereditary cancer-predisposing syndrome. Last evaluated: 2020-10-14. Review status: criteria provided, single submitter. Criteria: Ambry Variant Classification Scheme 2023. Collection method: clinical testing. Allele origin: germline.

Color Diagnostics, LLC DBA Color Health
Classification: Benign for Hereditary cancer-predisposing syndrome. Last evaluated: 2020-07-15. Review status: criteria provided, single submitter. Criteria: ACMG Guidelines, 2015. Collection method: clinical testing. Allele origin: germline.

Genetic Services Laboratory, University of Chicago
Classification: Uncertain significance. Last evaluated: 2018-12-17. Review status: criteria provided, single submitter. Criteria: ACMG Guidelines, 2015. Collection method: clinical testing. Allele origin: germline. Affected: no.